The following is an entry in ClinVar:

NM_001145678.3(KIAA0825):c.3101_3107del (p.Leu1034fs)

Gene: KIAA0825 (KIAA0825; minus strand). Cytogenetic location: 5q15.
Variant type: Deletion.
Coding change: c.3101_3107del on transcript NM_001145678.3 (MANE Select); coding-DNA positions 3101 to 3107, 7 bases deleted (TTTTAAC; older notation c.3101_3107delTTTTAAC).
Protein change: p.Leu1034fs; shifts the reading frame from leucine 1034.
Molecular consequence: frameshift variant. On other transcripts: non-coding transcript variant (1).
Genome position (GRCh38, 1-based): chr5:94,396,290-94,396,296, GTTAAAA deleted on the plus strand (TTTTAAC on the coding strand, the reverse complement: KIAA0825 is on the minus strand); deleting any 7 consecutive bases within chr5:94,396,290-94,396,299 gives the same sequence; the c. name uses the placement nearest the transcript's 3' end. VCF-style (leftmost placement, unchanged base first): chr5-94396289-TGTTAAAA-T. GRCh37 (hg19) VCF-style: chr5-93731994-TGTTAAAA-T.
Other names: c.3116_3122del, p.Leu1039fs (NM_001385712.1, NM_001385713.1, NM_001388325.1); c.3101_3107delTTTTAAC (NM_001145678.3); short protein forms L1034fs, L1039fs.
Identifiers: ClinVar variation 3629776 (VCV003629776.1).

ClinVar aggregate classification (germline): Pathogenic (1 of 4 stars; one submission).

Conditions:
Polydactyly, postaxial, type a10. Identifiers: MedGen C5193129, MONDO:0032785, OMIM 618498.

Submission:

Women's Health and Genetics/Laboratory Corporation of America, LabCorp
Classification: Pathogenic for Polydactyly, postaxial, type a10. Last evaluated: 2024-11-07. Review status: criteria provided, single submitter. Criteria: LabCorp Variant Classification Summary - May 2015. Collection method: clinical testing. Allele origin: germline.
Comment: Variant summary: KIAA0825 c.3101_3107delTTTTAAC (p.Leu1034GlnfsX15) results in a premature termination codon, predicted to cause a truncation of the encoded protein or absence of the protein due to nonsense mediated decay, which are commonly known mechanisms for disease. The variant was absent in 186746 control chromosomes. To our knowledge, no occurrence of c.3101_3107delTTTTAAC in individuals affected with Polydactyly, Postaxial, Type A10 and no experimental evidence demonstrating its impact on protein function have been reported. No submitters have cited clinical-significance assessments for this variant to ClinVar. Based on the evidence outlined above, the variant was classified as pathogenic.